The following is an entry in ClinVar:

NM_003835.4(RGS9):c.629A>T (p.Asn210Ile)

Gene: RGS9 (regulator of G protein signaling 9; plus strand). Cytogenetic location: 17q24.1.
Variant type: single nucleotide variant.
Coding change: c.629A>T on transcript NM_003835.4 (MANE Select); coding-DNA position 629, A replaced by T.
Protein change: p.Asn210Ile; replaces asparagine 210 with isoleucine.
Molecular consequence: missense variant.
Genome position (GRCh38, 1-based): chr17:65,177,778, A>T. VCF-style: chr17-65177778-A-T. GRCh37 (hg19) VCF-style: chr17-63173896-A-T.
Other names: c.629A>T, p.Asn210Ile (NM_001081955.3, NM_001165933.2); c.629A>T (NM_003835.3); short protein forms N210I.
Identifiers: ClinVar variation 1484474 (VCV001484474.7), dbSNP rs374824643, ClinGen allele CA8717749.

ClinVar aggregate classification (germline): Uncertain significance. Review status: criteria provided, multiple submitters, no conflicts (2 of 4 stars). 2 submissions from 2 submitters: Uncertain significance (2). Last evaluated 2024-02-21.

Conditions:
Inborn genetic diseases. Identifiers: MedGen C0950123, MeSH D030342.

gnomAD v4.1: 4 of 1,614,226 alleles (0.00025%); highest among the groups gnomAD compares: East Asian, 0.0089%; no homozygotes.

Submissions (2):

Ambry Genetics
Classification: Uncertain significance for Inborn genetic diseases. Last evaluated: 2024-02-21. Review status: criteria provided, single submitter. Criteria: Ambry Variant Classification Scheme 2023. Collection method: clinical testing. Allele origin: germline.

Labcorp Genetics (formerly Invitae), Labcorp
Classification: Uncertain significance. Last evaluated: 2023-08-17. Review status: criteria provided, single submitter. Criteria: Invitae Variant Classification Sherloc (09022015). Collection method: clinical testing. Allele origin: germline.
Comment: In summary, the available evidence is currently insufficient to determine the role of this variant in disease. Therefore, it has been classified as a Variant of Uncertain Significance. Advanced modeling of protein sequence and biophysical properties (such as structural, functional, and spatial information, amino acid conservation, physicochemical variation, residue mobility, and thermodynamic stability) performed at Invitae indicates that this missense variant is not expected to disrupt RGS9 protein function. ClinVar contains an entry for this variant (Variation ID: 1484474). This variant has not been reported in the literature in individuals affected with RGS9-related conditions. This variant is present in population databases (rs374824643, gnomAD 0.01%). This sequence change replaces asparagine, which is neutral and polar, with isoleucine, which is neutral and non-polar, at codon 210 of the RGS9 protein (p.Asn210Ile).